The following is an entry in ClinVar:

ClinVar aggregate classification (germline): Uncertain significance (1 of 4 stars; one submission).

gnomAD v4.1: 3 of 1,586,948 alleles (0.00019%); highest among the groups gnomAD compares: Non-Finnish European, 0.00026%; no homozygotes.

Submission:

Labcorp Genetics (formerly Invitae), Labcorp
Classification: Uncertain significance. Last evaluated: 2025-06-29. Review status: criteria provided, single submitter. Criteria: Invitae Variant Classification Sherloc (09022015). Collection method: clinical testing. Allele origin: germline.
Comment: This sequence change creates a premature translational stop signal (p.Lys1373*) in the ANKRD26 gene. It is expected to result in an absent or disrupted protein product. However, the current clinical and genetic evidence is not sufficient to establish whether loss-of-function variants in ANKRD26 cause disease. This variant is present in population databases (rs780960581, gnomAD 0.0009%). This variant has not been reported in the literature in individuals affected with ANKRD26-related conditions. Algorithms developed to predict the effect of sequence changes on RNA splicing suggest that this variant may disrupt the consensus splice site. In summary, the available evidence is currently insufficient to determine the role of this variant in disease. Therefore, it has been classified as a Variant of Uncertain Significance.

NM_014915.3(ANKRD26):c.4117A>T (p.Lys1373Ter)

Gene: ANKRD26 (ankyrin repeat domain 26; minus strand). Cytogenetic location: 10p12.1.
Variant type: single nucleotide variant.
Coding change: c.4117A>T on transcript NM_014915.3 (MANE Select); coding-DNA position 4117, A replaced by T.
Protein change: p.Lys1373Ter; replaces lysine 1373 with a stop codon.
Molecular consequence: nonsense.
Genome position (GRCh38, 1-based): chr10:27,022,656, T>A on the plus strand (A>T on the coding strand, the complement: ANKRD26 is on the minus strand). VCF-style: chr10-27022656-T-A. GRCh37 (hg19) VCF-style: chr10-27311585-T-A.
Other names: c.4114A>T, p.Lys1372Ter (NM_001256053.2); short protein forms K1372*, K1373*.
Identifiers: ClinVar variation 4706203 (VCV004706203.1).